The following is an entry in ClinVar:

ClinVar aggregate classification (germline): Uncertain significance. Review status: criteria provided, multiple submitters, no conflicts (2 of 4 stars). 2 submissions from 2 submitters: Uncertain significance (2). Last evaluated 2025-12-02.

Conditions:
Inborn genetic diseases. Identifiers: MedGen C0950123, MeSH D030342.

Allele frequency attached by ClinVar (database versions not stated): ExAC 0.00002.

Submissions (2):

Ambry Genetics
Classification: Uncertain significance for Inborn genetic diseases. Last evaluated: 2025-12-02. Review status: criteria provided, single submitter. Criteria: Ambry Variant Classification Scheme 2023. Collection method: clinical testing. Allele origin: germline.

Labcorp Genetics (formerly Invitae), Labcorp
Classification: Uncertain significance. Last evaluated: 2025-07-22. Review status: criteria provided, single submitter. Criteria: Invitae Variant Classification Sherloc (09022015). Collection method: clinical testing. Allele origin: germline.
Comment: This sequence change replaces threonine, which is neutral and polar, with isoleucine, which is neutral and non-polar, at codon 2448 of the VCAN protein (p.Thr2448Ile). This variant is present in population databases (rs745845546, gnomAD 0.009%). This variant has not been reported in the literature in individuals affected with VCAN-related conditions. ClinVar contains an entry for this variant (Variation ID: 2194243). An algorithm developed to predict the effect of missense changes on protein structure and function (PolyPhen-2) suggests that this variant is likely to be disruptive. In summary, the available evidence is currently insufficient to determine the role of this variant in disease. Therefore, it has been classified as a Variant of Uncertain Significance.

NM_004385.5(VCAN):c.7343C>T (p.Thr2448Ile)

Genes: VCAN (versican; plus strand), VCAN-AS1 (VCAN antisense RNA 1; minus strand). Cytogenetic location: 5q14.3.
Variant type: single nucleotide variant.
Coding change: c.7343C>T on transcript NM_004385.5 (MANE Select); coding-DNA position 7343, C replaced by T.
Protein change: p.Thr2448Ile; replaces threonine 2448 with isoleucine.
Molecular consequence: missense variant. On other transcripts: intron variant (2).
Genome position (GRCh38, 1-based): chr5:83,540,346, C>T. VCF-style: chr5-83540346-C-T. GRCh37 (hg19) VCF-style: chr5-82836165-C-T.
Other names: c.4382C>T, p.Thr1461Ile (NM_001164097.2); c.4004-5191C>T (NM_001164098.2); c.1043-5191C>T (NM_001126336.3); c.7343C>T (NM_004385.4); short protein forms T1461I, T2448I.
Identifiers: ClinVar variation 2194243 (VCV002194243.5), dbSNP rs745845546, ClinGen allele CA3333615.